The following is an entry in ClinVar:

NM_003098.3(SNTA1):c.1205G>A (p.Arg402Gln)

Gene: SNTA1 (syntrophin alpha 1; minus strand). Cytogenetic location: 20q11.21.
Variant type: single nucleotide variant.
Coding change: c.1205G>A on transcript NM_003098.3 (MANE Select); coding-DNA position 1205, G replaced by A.
Protein change: p.Arg402Gln; replaces arginine 402 with glutamine.
Molecular consequence: missense variant.
Genome position (GRCh38, 1-based): chr20:33,410,167, C>T on the plus strand (G>A on the coding strand, the complement: SNTA1 is on the minus strand). VCF-style: chr20-33410167-C-T. GRCh37 (hg19) VCF-style: chr20-31997973-C-T.
Other names: short protein forms R402Q.
Identifiers: ClinVar variation 338213 (VCV000338213.19), dbSNP rs771369802, ClinGen allele CA9817022.
Genomic context (GRCh38, chr20:33,410,167, plus strand): 5'-GGGACACTCCCAGATCCTCCCAGCACACCTGTAGACACCTCCTGCACACCCTCGGCGGCC[C>T]GGTGACAGCCATCCACAAGCTGGCGGGTCCAGGCAGCCAGCTCCTGCGGTGACTCCACGC-3'
Protein context (NP_003089.1, residues 392-412): WTRQLVDGCH[Arg402Gln]AAEGVQEVST

ClinVar aggregate classification (germline): Uncertain significance. Review status: criteria provided, multiple submitters, no conflicts (2 of 4 stars). 5 submissions from 5 submitters: Uncertain significance (5). Last evaluated 2025-07-16.

Conditions:
Cardiovascular phenotype. Identifiers: MedGen CN230736.
Long QT syndrome (LQTS). Identifiers: MedGen C0023976, MeSH D008133, MONDO:0002442. Disease mechanism: loss of function. Inheritance: Various modes of inheritance.
Long QT syndrome 12 (LQT12). Identifiers: Orphanet 101016, Orphanet 768, MedGen C2751830, MONDO:0013062, OMIM 612955.

Allele frequency attached by ClinVar (database versions not stated): gnomAD exomes 0.00001 and 0.00002; ExAC 0.00002; gnomAD 0.00002; TOPMed 0.00002.
gnomAD v4.1: 31 of 1,614,082 alleles (0.0019%); highest among the groups gnomAD compares: South Asian, 0.0044%; no homozygotes.

Submissions (5):

Labcorp Genetics (formerly Invitae), Labcorp
Classification: Uncertain significance for Long QT syndrome. Last evaluated: 2025-07-16. Review status: criteria provided, single submitter. Criteria: Invitae Variant Classification Sherloc (09022015). Collection method: clinical testing. Allele origin: germline.
Comment: This sequence change replaces arginine, which is basic and polar, with glutamine, which is neutral and polar, at codon 402 of the SNTA1 protein (p.Arg402Gln). This variant is present in population databases (rs771369802, gnomAD 0.006%). This variant has not been reported in the literature in individuals affected with SNTA1-related conditions. ClinVar contains an entry for this variant (Variation ID: 338213). Invitae Evidence Modeling of protein sequence and biophysical properties (such as structural, functional, and spatial information, amino acid conservation, physicochemical variation, residue mobility, and thermodynamic stability) indicates that this missense variant is not expected to disrupt SNTA1 protein function with a negative predictive value of 80%. In summary, the available evidence is currently insufficient to determine the role of this variant in disease. Therefore, it has been classified as a Variant of Uncertain Significance.

Ambry Genetics
Classification: Uncertain significance for Cardiovascular phenotype. Last evaluated: 2025-04-02. Review status: criteria provided, single submitter. Criteria: Ambry Variant Classification Scheme 2023. Collection method: clinical testing. Allele origin: germline.
Comment: The p.R402Q variant (also known as c.1205G>A), located in coding exon 6 of the SNTA1 gene, results from a G to A substitution at nucleotide position 1205. The arginine at codon 402 is replaced by glutamine, an amino acid with highly similar properties. This amino acid position is not well conserved in available vertebrate species. In addition, this alteration is predicted to be tolerated by in silico analysis. The evidence for this gene-disease relationship is limited; therefore, the clinical significance of this alteration is unclear.

Fulgent Genetics
Classification: Uncertain significance for Long QT syndrome 12. Last evaluated: 2021-08-31. Review status: criteria provided, single submitter. Criteria: ACMG Guidelines, 2015. Collection method: clinical testing. Allele origin: unknown.

GeneDx
Classification: Uncertain significance. Last evaluated: 2020-01-21. Review status: criteria provided, single submitter. Criteria: GeneDx Variant Classification Process June 2021. Collection method: clinical testing. Allele origin: germline. Affected: yes.
Comment: Has not been previously published as pathogenic or benign to our knowledge; Not observed at a significant frequency in large population cohorts (Lek et al., 2016); In silico analysis, which includes protein predictors and evolutionary conservation, supports that this variant does not alter protein structure/function

Illumina Laboratory Services, Illumina
Classification: Uncertain significance for Long QT syndrome 12. Last evaluated: 2018-01-12. Review status: criteria provided, single submitter. Criteria: ICSL Variant Classification Criteria 13 December 2019. Collection method: clinical testing. Allele origin: germline.